The following is an entry in ClinVar:

ClinVar aggregate classification (germline): Likely pathogenic. Review status: criteria provided, multiple submitters, no conflicts (2 of 4 stars). 2 submissions from 2 submitters: Likely pathogenic (2). Last evaluated 2024-01-24.

Conditions:
Hereditary cancer-predisposing syndrome. Also called: Neoplastic Syndromes, Hereditary; Tumor predisposition; Hereditary neoplastic syndrome; Hereditary Cancer Syndrome. Identifiers: Orphanet 140162, MedGen C0027672, MeSH D009386, MONDO:0015356.
Familial cancer of breast. Also called: BREAST CANCER, FAMILIAL; Hereditary breast cancer; hereditary breast carcinoma. Identifiers: Orphanet 227535, MedGen C0346153, MONDO:0016419, OMIM 114480. Disease mechanism: loss of function.

Submissions (2):

Myriad Genetics, Inc.
Classification: Likely pathogenic for Familial cancer of breast. Last evaluated: 2024-01-24. Review status: criteria provided, single submitter. Criteria: Myriad Autosomal Dominant, Autosomal Recessive and X-Linked Classification Criteria (2023). Collection method: clinical testing. Allele origin: unknown.
Comment: This variant is considered likely pathogenic. This variant occurs within a consensus splice junction and is predicted to result in abnormal mRNA splicing of either an out-of-frame exon or an in-frame exon necessary for protein stability and/or normal function.

Color Diagnostics, LLC DBA Color Health
Classification: Likely pathogenic for Hereditary cancer-predisposing syndrome. Last evaluated: 2024-01-05. Review status: criteria provided, single submitter. Criteria: ACMG Guidelines, 2015. Collection method: clinical testing. Allele origin: germline.
Comment: This variant deletes 24 nucleotides encompassing the intron 31 - exon 32 border of the ATM gene. Splice site prediction tools predict that this variant may have a significant impact on RNA splicing. Although functional studies have not been reported for this variant, it is expected to result in an absent or non-functional protein product. This variant has not been reported in individuals affected with ATM-related disorders in the literature. This variant has not been identified in the general population by the Genome Aggregation Database (gnomAD). Based on the available evidence, this variant is classified as Likely Pathogenic.

NM_000051.4(ATM):c.4777-5_4795del

Gene: ATM (ATM serine/threonine kinase; plus strand). Cytogenetic location: 11q22.3.
Variant type: Deletion.
Coding change: c.4777-5_4795del on transcript NM_000051.4 (MANE Select); 5 bases into the intron before coding-DNA position 4777 through coding-DNA position 4795, 24 bases deleted (TTTAGGAAATTAACCATTTTCTCT).
Molecular consequence: splice acceptor variant.
Genome position (GRCh38, 1-based): chr11:108,294,922-108,294,945, TTTAGGAAATTAACCATTTTCTCT deleted; deleting any 24 consecutive bases within chr11:108,294,912-108,294,945 gives the same sequence; the c. name uses the placement nearest the transcript's 3' end. VCF-style (leftmost placement, unchanged base first): chr11-108294911-ACATTTTCTCTTTTAGGAAATTAAC-A. GRCh37 (hg19) VCF-style: chr11-108165638-ACATTTTCTCTTTTAGGAAATTAAC-A.
Other names: c.4777-5_4795del (NM_001351834.2).
Identifiers: ClinVar variation 3148469 (VCV003148469.2), dbSNP rs2546941907, ClinGen allele CA2825001890.
Genomic context (GRCh38, chr11:108,294,911, plus strand): 5'-TTTTTTTCTTTTATTAAGTTTTATTTCACAGGCTTAACCAATACGTGTTAAAAGCAAGTT[ACATTTTCTCTTTTAGGAAATTAAC>A]CATTTTCTCTCAGTAAGTGTTTATGATGCACTTCCATTGACAAGACTTGAAGGACTAAAG-3'